The following is an entry in ClinVar:

NM_002693.3(POLG):c.508G>T (p.Ala170Ser)

Genes: POLG (DNA polymerase gamma, catalytic subunit; minus strand), POLGARF (POLG alternative reading frame; minus strand). Cytogenetic location: 15q26.1.
Variant type: single nucleotide variant.
Coding change: c.508G>T on transcript NM_002693.3 (MANE Select); coding-DNA position 508, G replaced by T.
Protein change: p.Ala170Ser; replaces alanine 170 with serine.
Molecular consequence: missense variant.
Genome position (GRCh38, 1-based): chr15:89,333,247, C>A on the plus strand (G>T on the coding strand, the complement: POLG is on the minus strand). VCF-style: chr15-89333247-C-A. GRCh37 (hg19) VCF-style: chr15-89876478-C-A.
Other names: c.508G>T, p.Ala170Ser (NM_001126131.2); short protein forms A170S.
Identifiers: ClinVar variation 2971522 (VCV002971522.3), dbSNP rs2509275133, ClinGen allele CA393771185.

ClinVar aggregate classification (germline): Uncertain significance (1 of 4 stars; one submission).

Conditions:
Progressive sclerosing poliodystrophy (MTDPS4A). Also called: Mitochondrial DNA Depletion Syndrome 4A; ALPERS PROGRESSIVE INFANTILE POLIODYSTROPHY; NEURONAL DEGENERATION OF CHILDHOOD WITH LIVER DISEASE, PROGRESSIVE; Mitochondrial DNA depletion syndrome 4A (Alpers type); Alpers Syndrome; ALPERS DIFFUSE DEGENERATION OF CEREBRAL GRAY MATTER WITH HEPATIC CIRRHOSIS. Identifiers: Orphanet 726, MedGen C0205710, MONDO:0008758, OMIM 203700.

Allele frequency attached by ClinVar (database versions not stated): gnomAD exomes below 0.00001.
gnomAD v4.1: 1 of 1,575,292 alleles (0.000063%); highest among the groups gnomAD compares: Non-Finnish European, 0.000086%; no homozygotes.

Submission:

Labcorp Genetics (formerly Invitae), Labcorp
Classification: Uncertain significance for Progressive sclerosing poliodystrophy. Last evaluated: 2025-04-21. Review status: criteria provided, single submitter. Criteria: Invitae Variant Classification Sherloc (09022015). Collection method: clinical testing. Allele origin: germline.
Comment: This sequence change replaces alanine, which is neutral and non-polar, with serine, which is neutral and polar, at codon 170 of the POLG protein (p.Ala170Ser). This variant is not present in population databases (gnomAD no frequency). This variant has not been reported in the literature in individuals affected with POLG-related conditions. ClinVar contains an entry for this variant (Variation ID: 2971522). Invitae Evidence Modeling of protein sequence and biophysical properties (such as structural, functional, and spatial information, amino acid conservation, physicochemical variation, residue mobility, and thermodynamic stability) indicates that this missense variant is not expected to disrupt POLG protein function with a negative predictive value of 95%. In summary, the available evidence is currently insufficient to determine the role of this variant in disease. Therefore, it has been classified as a Variant of Uncertain Significance.